The following is an entry in ClinVar:

NM_001267550.2(TTN):c.30433+11T>G

Gene: TTN (titin; minus strand). Cytogenetic location: 2q31.2.
Variant type: single nucleotide variant.
Coding change: c.30433+11T>G on transcript NM_001267550.2 (MANE Select); 11 bases into the intron after coding-DNA position 30433, T replaced by G.
Molecular consequence: intron variant.
Genome position (GRCh38, 1-based): chr2:178,702,443, A>C on the plus strand (T>G on the coding strand, the complement: TTN is on the minus strand). VCF-style: chr2-178702443-A-C. GRCh37 (hg19) VCF-style: chr2-179567170-A-C.
Other names: c.13282+35639T>G (NM_003319.4); c.13858+35639T>G (NM_133437.4); c.13657+35639T>G (NM_133432.3); c.26701+11T>G (NM_133378.4); c.29482+11T>G (NM_001256850.1).
Identifiers: ClinVar variation 46835 (VCV000046835.20), dbSNP rs199848546, ClinGen allele CA283082.

ClinVar aggregate classification (germline): Conflicting classifications of pathogenicity. Review status: criteria provided, conflicting classifications (1 of 4 stars). 10 submissions from 6 submitters: Uncertain significance (3); Benign (5); Likely benign (2). Last evaluated 2026-02-03.

Conditions:
Dilated cardiomyopathy 1G (CMD1G). Identifiers: Orphanet 154, MedGen C1858763, MONDO:0011400, OMIM 604145.
Autosomal recessive limb-girdle muscular dystrophy type 2J (LGMDR10). Also called: MUSCULAR DYSTROPHY, LIMB-GIRDLE, AUTOSOMAL RECESSIVE 10; Limb-girdle muscular dystrophy, type 2J. Identifiers: Orphanet 140922, MedGen C1837342, MONDO:0012127, OMIM 608807.
Early-onset myopathy with fatal cardiomyopathy (CMYO5). Also called: CONGENITAL MYOPATHY 5 WITH CARDIOMYOPATHY; Salih Myopathy. Identifiers: Orphanet 289377, MedGen C2673677, MONDO:0012714, OMIM 611705. Disease mechanism: loss of function.
Myopathy, myofibrillar, 9, with early respiratory failure (MFM9). Also called: Myopathy, distal, with early respiratory failure, autosomal dominant; Hereditary myopathy with early respiratory failure; MYOPATHY, PROXIMAL, WITH EARLY RESPIRATORY MUSCLE INVOLVEMENT; EDSTROM MYOPATHY. Identifiers: Orphanet 178464, Orphanet 34521, MedGen C1863599, MONDO:0011362, OMIM 603689.
Tibial muscular dystrophy (TMD). Also called: Udd Distal Myopathy – Tibial Muscular Dystrophy; Tibial muscular dystrophy, tardive; UDD MYOPATHY. Identifiers: Orphanet 609, MedGen C1838244, MONDO:0010870, OMIM 600334.

Allele frequency attached by ClinVar (database versions not stated): 1000 Genomes Project 30x 0.00016; 1000 Genomes Project 0.00020; gnomAD 0.00041 and 0.00039; ExAC 0.00058; TOPMed 0.00047; ESP Exome Variant Server 0.00050.
gnomAD v4.1: 694 of 1,613,668 alleles (0.043%); highest among the groups gnomAD compares: Middle Eastern, 0.068%; 2 homozygotes.

Submissions (10):

Labcorp Genetics (formerly Invitae), Labcorp
Classification: Benign for Dilated cardiomyopathy 1G; Autosomal recessive limb-girdle muscular dystrophy type 2J. Last evaluated: 2026-02-03. Review status: criteria provided, single submitter. Criteria: Invitae Variant Classification Sherloc (09022015). Collection method: clinical testing. Allele origin: germline.

Blueprint Genetics
Classification: Likely benign. Last evaluated: 2024-11-22. Review status: criteria provided, single submitter. Criteria: ACMG Guidelines, 2015. Collection method: clinical testing. Allele origin: germline.

Women's Health and Genetics/Laboratory Corporation of America, LabCorp
Classification: Benign. Last evaluated: 2020-03-10. Review status: criteria provided, single submitter. Criteria: LabCorp Variant Classification Summary - May 2015. Collection method: clinical testing. Allele origin: germline.
Comment: Variant summary: TTN c.26701+11T>G alters a conserved nucleotide located close to a canonical splice site and therefore could affect mRNA splicing, leading to a significantly altered protein sequence. 4/4 computational tools predict no significant impact on normal splicing. However, these predictions have yet to be confirmed by functional studies. The variant allele was found at a frequency of 0.00079 in 249084 control chromosomes in the gnomAD database, including 2 homozygotes. The observed variant frequency is approximately 1.3- fold the estimated maximal expected allele frequency for a pathogenic variant in TTN causing Cardiomyopathy phenotype (0.00063), strongly suggesting that the variant is benign. To our knowledge, no occurrence of c.26701+11T>G in individuals affected with Cardiomyopathy and no experimental evidence demonstrating its impact on protein function have been reported. No clinical diagnostic laboratories have submitted clinical-significance assessments for this variant to ClinVar after 2014. Based on the evidence outlined above, the variant was classified as benign.

Illumina Laboratory Services, Illumina
Classification: Uncertain significance for Early-onset myopathy with fatal cardiomyopathy. Last evaluated: 2018-01-13. Review status: criteria provided, single submitter. Criteria: ICSL Variant Classification Criteria 13 December 2019. Collection method: clinical testing. Allele origin: germline.

Illumina Laboratory Services, Illumina
Classification: Uncertain significance for Autosomal recessive limb-girdle muscular dystrophy type 2J. Last evaluated: 2018-01-13. Review status: criteria provided, single submitter. Criteria: ICSL Variant Classification Criteria 13 December 2019. Collection method: clinical testing. Allele origin: germline.

Illumina Laboratory Services, Illumina
Classification: Uncertain significance for Dilated cardiomyopathy 1G. Last evaluated: 2018-01-13. Review status: criteria provided, single submitter. Criteria: ICSL Variant Classification Criteria 13 December 2019. Collection method: clinical testing. Allele origin: germline.

Illumina Laboratory Services, Illumina
Classification: Benign for Tibial muscular dystrophy. Last evaluated: 2018-01-13. Review status: criteria provided, single submitter. Criteria: ICSL Variant Classification Criteria 13 December 2019. Collection method: clinical testing. Allele origin: germline.
Comment: This variant was observed in the ICSL laboratory as part of a predisposition screen in an ostensibly healthy population. It had not been previously curated by ICSL or reported in the Human Gene Mutation Database (HGMD: prior to June 1st, 2018), and was therefore a candidate for classification through an automated scoring system. Utilizing variant allele frequency, disease prevalence and penetrance estimates, and inheritance mode, an automated score was calculated to assess if this variant is too frequent to cause the disease. Based on the score and internal cut-off values, a variant classified as benign is not then subjected to further curation. The score for this variant resulted in a classification of benign for this disease.

Illumina Laboratory Services, Illumina
Classification: Benign for Myopathy, myofibrillar, 9, with early respiratory failure. Last evaluated: 2018-01-13. Review status: criteria provided, single submitter. Criteria: ICSL Variant Classification Criteria 13 December 2019. Collection method: clinical testing. Allele origin: germline.
Comment: the same text as in the submission from Illumina Laboratory Services, Illumina above.

GeneDx
Classification: Benign. Last evaluated: 2014-01-20. Review status: criteria provided, single submitter. Criteria: GeneDx Variant Classification (06012015). Collection method: clinical testing. Allele origin: germline. Affected: yes.
Comment: This variant is considered likely benign or benign based on one or more of the following criteria: it is a conservative change, it occurs at a poorly conserved position in the protein, it is predicted to be benign by multiple in silico algorithms, and/or has population frequency not consistent with disease.

Laboratory for Molecular Medicine, Mass General Brigham Personalized Medicine
Classification: Likely benign. Last evaluated: 2012-07-24. Review status: criteria provided, single submitter. Criteria: LMM Criteria. Collection method: clinical testing. Allele origin: germline. Observed: 2 variant alleles.
Comment: 26701+11T>G in intron 104 of TTN: This variant is not expected to have clinical significance because it is not located within the splice consensus sequence. It has been identified in 0.1% (6/6654) of European American chromosomes from a bro ad population by the NHLBI Exome Sequencing Project (u/EVS; dbSNP rs149433665). 26701+11T>G in intron 104 of TTN (rs149433665; allel e frequency = 0.1%, 6/6654) **